The following is an entry in ClinVar:

ClinVar aggregate classification (germline): Uncertain significance. Review status: criteria provided, multiple submitters, no conflicts (2 of 4 stars). 4 submissions from 4 submitters: Uncertain significance (4). Last evaluated 2025-04-01.

Conditions:
Autosomal recessive limb-girdle muscular dystrophy type 2J (LGMDR10). Also called: Limb-girdle muscular dystrophy, type 2J; MUSCULAR DYSTROPHY, LIMB-GIRDLE, AUTOSOMAL RECESSIVE 10. Identifiers: Orphanet 140922, MedGen C1837342, MONDO:0012127, OMIM 608807.
Dilated cardiomyopathy 1G (CMD1G). Identifiers: Orphanet 154, MedGen C1858763, MONDO:0011400, OMIM 604145.
TTN-related disorder. Also called: TTN-related condition; TTN-related disease; TTN-related disorders.

Allele frequency attached by ClinVar (database versions not stated): gnomAD exomes below 0.00001 and 0.00001; ExAC 0.00001; gnomAD 0.00001; TOPMed 0.00001.
gnomAD v4.1: 9 of 1,613,048 alleles (0.00056%); highest among the groups gnomAD compares: Middle Eastern, 0.033%; no homozygotes.

Submissions (4):

CeGaT Center for Human Genetics Tuebingen
Classification: Uncertain significance. Last evaluated: 2025-04-01. Review status: criteria provided, single submitter. Criteria: CeGaT Center For Human Genetics Tuebingen Variant Classification Criteria Version 2. Collection method: clinical testing. Allele origin: germline. Affected: yes. Observed: 1 variant allele.

PreventionGenetics, part of Exact Sciences
Classification: Uncertain significance for TTN-related condition. Last evaluated: 2024-10-16. Review status: criteria provided, single submitter. Criteria: ACMG Guidelines, 2015. Collection method: clinical testing. Allele origin: germline.
Comment: The TTN c.61073C>T variant is predicted to result in the amino acid substitution p.Pro20358Leu. To our knowledge, this variant has not been reported in the literature. This variant is reported in 0.00089% of alleles in individuals of European (Non-Finnish) descent in gnomAD. At this time, the clinical significance of this variant is uncertain due to the absence of conclusive functional and genetic evidence.

GeneDx
Classification: Uncertain significance. Last evaluated: 2024-07-03. Review status: criteria provided, single submitter. Criteria: GeneDx Variant Classification Process June 2021. Collection method: clinical testing. Allele origin: germline. Affected: yes.
Comment: Not observed at significant frequency in large population cohorts (gnomAD); Missense variant in a gene in which most reported pathogenic variants are truncating/loss of function; Has not been previously published as pathogenic or benign to our knowledge

Labcorp Genetics (formerly Invitae), Labcorp
Classification: Uncertain significance for Dilated cardiomyopathy 1G; Autosomal recessive limb-girdle muscular dystrophy type 2J. Last evaluated: 2016-08-25. Review status: criteria provided, single submitter. Criteria: Invitae Variant Classification Sherloc (09022015). Collection method: clinical testing. Allele origin: germline.

NM_001267550.2(TTN):c.61073C>T (p.Pro20358Leu)

Genes: TTN-AS1 (TTN antisense RNA 1; plus strand), TTN (titin; minus strand). Cytogenetic location: 2q31.2.
Variant type: single nucleotide variant.
Coding change: c.61073C>T on transcript NM_001267550.2 (MANE Select); coding-DNA position 61073, C replaced by T.
Protein change: p.Pro20358Leu; replaces proline 20358 with leucine.
Molecular consequence: missense variant.
Genome position (GRCh38, 1-based): chr2:178,590,652, G>A on the plus strand (C>T on the coding strand, the complement: TTN is on the minus strand). VCF-style: chr2-178590652-G-A. GRCh37 (hg19) VCF-style: chr2-179455379-G-A.
Other names: c.56150C>T, p.Pro18717Leu (NM_001256850.1); c.33878C>T, p.Pro11293Leu (NM_003319.4); c.53369C>T, p.Pro17790Leu (NM_133378.4); c.34253C>T, p.Pro11418Leu (NM_133432.3); c.34454C>T, p.Pro11485Leu (NM_133437.4); c.61073C>T (NM_001267550.1); short protein forms P20358L, P11418L, P11485L, P17790L, P18717L, P11293L.
Identifiers: ClinVar variation 404878 (VCV000404878.13), dbSNP rs751194376, ClinGen allele CA1992409.
Genomic context (GRCh38, chr2:178,590,652, plus strand): 5'-GGATTAATAGGTGGTCCAGGTGGTTTGATGGGCCGGCAAGCTTTTATTGGATCAGAACTT[G>A]GGGATGGTTTGCTTAGTCCTGCAAGATTTTCAGCAAAAACTCTAAACTCATATGTATTTC-3'
Protein context (NP_001254479.2, residues 20348-20368): ENLAGLSKPS[Pro20358Leu]SSDPIKACRP